The following is an entry in ClinVar:

NM_001257291.2(SLC9A7):c.1137C>T (p.Cys379=)

Gene: SLC9A7 (solute carrier family 9 member A7; minus strand). Cytogenetic location: Xp11.3.
Variant type: single nucleotide variant.
Coding change: c.1137C>T on transcript NM_001257291.2 (MANE Select); coding-DNA position 1137, C replaced by T.
Protein change: p.Cys379=; no amino-acid change (cysteine 379 retained).
Molecular consequence: synonymous variant.
Genome position (GRCh38, 1-based): chrX:46,653,619, G>A on the plus strand (C>T on the coding strand, the complement: SLC9A7 is on the minus strand). VCF-style: chrX-46653619-G-A. GRCh37 (hg19) VCF-style: chrX-46513054-G-A.
Other names: c.1134C>T, p.Cys378= (NM_032591.3).
Identifiers: ClinVar variation 3257610 (VCV003257610.17).

ClinVar aggregate classification (germline): Likely benign (1 of 4 stars; one submission).

Submission:

CeGaT Center for Human Genetics Tuebingen
Classification: Likely benign. Last evaluated: 2024-08-01. Review status: criteria provided, single submitter. Criteria: CeGaT Center For Human Genetics Tuebingen Variant Classification Criteria Version 2. Collection method: clinical testing. Allele origin: germline. Affected: yes. Observed: 2 variant alleles.
Comment: SLC9A7: BP4, BP7, BS2